The following is an entry in ClinVar:

NM_001267550.2(TTN):c.60524del (p.Pro20175fs)

Genes: TTN-AS1 (TTN antisense RNA 1; plus strand), TTN (titin; minus strand). Cytogenetic location: 2q31.2.
Variant type: Deletion.
Coding change: c.60524del on transcript NM_001267550.2 (MANE Select); coding-DNA position 60524, one base deleted (C; older notation c.60524delC).
Protein change: p.Pro20175fs; shifts the reading frame from proline 20175.
Molecular consequence: frameshift variant. On other transcripts: non-coding transcript variant (1).
Genome position (GRCh38, 1-based): chr2:178,591,201, G deleted on the plus strand (C on the coding strand, the reverse complement: TTN is on the minus strand); the first of 2 consecutive G bases (chr2:178,591,201-178,591,202); deleting either gives the same sequence. VCF-style (leftmost placement, unchanged base first): chr2-178591200-TG-T. GRCh37 (hg19) VCF-style: chr2-179455927-TG-T.
Other names: c.55601del, p.Pro18534fs (NM_001256850.1); c.33329del, p.Pro11110fs (NM_003319.4); c.52820del, p.Pro17607fs (NM_133378.4); c.33704del, p.Pro11235fs (NM_133432.3); c.33905del, p.Pro11302fs (NM_133437.4); short protein forms P11302fs, P20175fs, P11235fs, P17607fs, P11110fs, P18534fs.
Identifiers: ClinVar variation 4784970 (VCV004784970.1).
Genomic context (GRCh38, chr2:178,591,200, plus strand): 5'-TGGCTGCCATGAGATAGTCATGTGTTCAGGAGTAACATCCAGAATATTAATAGGACCTGT[TG>T]GTGGCCCAGGAACATCAAGAACAGTAAGATGTACGGCTACTGTTTTGCTACCGGCTGCAT-3'

ClinVar aggregate classification (germline): Likely pathogenic (1 of 4 stars; one submission).

Conditions:
Autosomal recessive limb-girdle muscular dystrophy type 2J (LGMDR10). Also called: Limb-girdle muscular dystrophy, type 2J; MUSCULAR DYSTROPHY, LIMB-GIRDLE, AUTOSOMAL RECESSIVE 10. Identifiers: Orphanet 140922, MedGen C1837342, MONDO:0012127, OMIM 608807.
Dilated cardiomyopathy 1G (CMD1G). Identifiers: Orphanet 154, MedGen C1858763, MONDO:0011400, OMIM 604145.

Submission:

Labcorp Genetics (formerly Invitae), Labcorp
Classification: Likely pathogenic for Dilated cardiomyopathy 1G; Autosomal recessive limb-girdle muscular dystrophy type 2J. Last evaluated: 2025-05-11. Review status: criteria provided, single submitter. Criteria: Invitae Variant Classification Sherloc (09022015). Collection method: clinical testing. Allele origin: germline.
Comment: This sequence change creates a premature translational stop signal (p.Pro20175Glnfs*15) in the TTN gene. While this is not anticipated to result in nonsense mediated decay, it is expected to create a truncated TTN protein. This variant is not present in population databases (gnomAD no frequency). This variant has not been reported in the literature in individuals affected with TTN-related conditions. This variant is located in the A band of TTN (PMID: 25589632). Truncating variants in this region are significantly overrepresented in patients affected with dilated cardiomyopathy (PMID: 25589632). Truncating variants in this region have also been reported in individuals affected with autosomal recessive centronuclear myopathy (PMID: 23975875). In summary, the currently available evidence indicates that the variant is pathogenic, but additional data are needed to prove that conclusively. Therefore, this variant has been classified as Likely Pathogenic.

Literature cited by the submitters: PubMed 25589632; PubMed 23975875.